The following is an entry in ClinVar:

ClinVar aggregate classification (germline): Pathogenic/Likely pathogenic. Review status: criteria provided, multiple submitters, no conflicts (2 of 4 stars). 4 submissions from 4 submitters: Pathogenic (2); Likely pathogenic (1). 1 of the submissions does not count toward it. Last evaluated 2026-08-28.

Conditions:
X-linked Alport syndrome (ATS1). Also called: COL4A5-Related Nephropathy; NEPHROPATHY AND DEAFNESS, X-LINKED. Identifiers: Orphanet 63, Orphanet 88917, MedGen C4746986, MONDO:0010520, OMIM 301050.

Submissions (4):

Centre de Génétique Humaine, Institut de Pathologie Et de Génétique
Classification: Pathogenic for X-linked Alport syndrome. Last evaluated: 2026-08-28. Review status: criteria provided, single submitter. Criteria: ACMG Guidelines, 2015. Collection method: clinical testing. Allele origin: maternal, germline, paternal. Inheritance: X-linked dominant inheritance. Affected: yes. Observed: 4 variant alleles, 3 heterozygotes, 1 hemizygote. Clinical features observed: Microscopic hematuria (HP:0002907), Severe albuminuria (HP:0033066), Glomerular basement membrane lamellation (HP:0030034), Stage 3 chronic kidney disease (HP:0012625), Focal segmental glomerulosclerosis (HP:0000097), Moderate albuminuria (HP:0012594). Segregation with disease observed.
Comment: Variant located in the canonical acceptor splice site of intron 31 (PVS1). This variant is rare: absent in gnomAD v4.1.0 database (PM2). Another variant affecting the same nucleotide described as likely pathogenic c.835-2A>C, PMID: 37100867; other variants described in the region positions -1, -3 and -9: mutational hot spot (PM1). Described in ClinVar as LP/P (PP5)

CeGaT Center for Human Genetics Tuebingen
Classification: Likely pathogenic. Last evaluated: 2017-06-01. Review status: criteria provided, single submitter. Criteria: CeGaT Center For Human Genetics Tuebingen Variant Classification Criteria Version 2. Collection method: clinical testing. Allele origin: germline. Affected: yes. Observed: 1 variant allele.

Clinical Genetics Service, Universitary Hospital 12 de Octubre
Classification: Pathogenic for X-linked Alport syndrome. Review status: criteria provided, single submitter. Criteria: ACMG Guidelines, 2015. Collection method: clinical testing. Allele origin: germline. Affected: yes.

Bioscientia Institut fuer Medizinische Diagnostik GmbH, Sonic Healthcare
Classification: Pathogenic for X-linked Alport syndrome. Last evaluated: 2017-11-28. Review status: no assertion criteria provided. Collection method: clinical testing. Allele origin: germline. Affected: yes. Not counted in ClinVar's aggregate classification.

NM_033380.3(COL4A5):c.835-2A>G

Gene: COL4A5 (collagen type IV alpha 5 chain; plus strand). Cytogenetic location: Xq22.3.
Variant type: single nucleotide variant.
Coding change: c.835-2A>G on transcript NM_033380.3 (MANE Select); the canonical splice acceptor site of the intron before coding-DNA position 835, A replaced by G.
Molecular consequence: splice acceptor variant.
Genome position (GRCh38, 1-based): chrX:108,580,680, A>G. VCF-style: chrX-108580680-A-G. GRCh37 (hg19) VCF-style: chrX-107823910-A-G.
Other names: c.835-2A>G (NM_000495.5, NM_000495.4).
Identifiers: ClinVar variation 522545 (VCV000522545.45), dbSNP rs1556406859, ClinGen allele CA413925978.